The following is an entry in ClinVar:

ClinVar aggregate classification (germline): Benign. Review status: criteria provided, multiple submitters, no conflicts (2 of 4 stars). 4 submissions from 4 submitters: Benign (3). 1 of the submissions does not count toward it. Last evaluated 2025-04-09.

Conditions:
NRAP-related disorder. Also called: NRAP-related condition.

Allele frequency attached by ClinVar (database versions not stated): gnomAD 0.42826 and 0.43224; TOPMed 0.43279; ESP Exome Variant Server 0.43326; 1000 Genomes Project 30x 0.45440; gnomAD exomes 0.46094 and 0.47632; ExAC 0.46265; 1000 Genomes Project 0.46286.
gnomAD v4.1: 748,477 of 1,585,822 alleles (47%); highest among the groups gnomAD compares: East Asian, 61%; 180,866 homozygotes.

Submissions (4):

Molecular Diagnostic Laboratory for Inherited Cardiovascular Disease, Montreal Heart Institute
Classification: Benign. Last evaluated: 2025-04-09. Review status: criteria provided, single submitter. Criteria: ACMG Guidelines, 2015. Collection method: clinical testing. Allele origin: germline. Affected: no.

GeneDx
Classification: Benign. Last evaluated: 2021-05-04. Review status: criteria provided, single submitter. Criteria: GeneDx Variant Classification Process June 2021. Collection method: clinical testing. Allele origin: germline. Affected: yes.

Breakthrough Genomics
Classification: Benign. Review status: criteria provided, single submitter. Criteria: ACMG Guidelines, 2015. Collection method: not provided. Allele origin: germline. Inheritance: Unknown mechanism. Affected: yes.

PreventionGenetics, part of Exact Sciences
Classification: Benign for NRAP-related condition. Last evaluated: 2019-10-17. Review status: no assertion criteria provided. Collection method: clinical testing. Allele origin: germline. Not counted in ClinVar's aggregate classification.
Comment: This variant is classified as benign based on ACMG/AMP sequence variant interpretation guidelines (Richards et al. 2015 PMID: 25741868, with internal and published modifications).

NM_198060.4(NRAP):c.3547A>G (p.Ile1183Val)

Gene: NRAP (nebulin related anchoring protein; minus strand). Cytogenetic location: 10q25.3.
Variant type: single nucleotide variant.
Coding change: c.3547A>G on transcript NM_198060.4 (MANE Select); coding-DNA position 3547, A replaced by G.
Protein change: p.Ile1183Val; replaces isoleucine 1183 with valine.
Molecular consequence: missense variant.
Genome position (GRCh38, 1-based): chr10:113,610,515, T>C on the plus strand (A>G on the coding strand, the complement: NRAP is on the minus strand). VCF-style: chr10-113610515-T-C. GRCh37 (hg19) VCF-style: chr10-115370274-T-C.
Other names: c.3547A>G, p.Ile1183Val (NM_001261463.2); c.3439A>G, p.Ile1147Val (NM_001322945.2); c.3442A>G, p.Ile1148Val (NM_006175.5); short protein forms I1147V, I1148V, I1183V.
Identifiers: ClinVar variation 1182171 (VCV001182171.6), dbSNP rs10749138, ClinGen allele CA5694751.